The following is an entry in ClinVar:

NM_032043.3(BRIP1):c.2542C>A (p.Arg848Ser)

Gene: BRIP1 (BRCA1 interacting DNA helicase 1; minus strand). Cytogenetic location: 17q23.2.
Variant type: single nucleotide variant.
Coding change: c.2542C>A on transcript NM_032043.3 (MANE Select); coding-DNA position 2542, C replaced by A.
Protein change: p.Arg848Ser; replaces arginine 848 with serine.
Molecular consequence: missense variant.
Genome position (GRCh38, 1-based): chr17:61,693,463, G>T on the plus strand (C>A on the coding strand, the complement: BRIP1 is on the minus strand). VCF-style: chr17-61693463-G-T. GRCh37 (hg19) VCF-style: chr17-59770824-G-T.
Other names: p.R848S:CGC>AGC; short protein forms R848S.
Identifiers: ClinVar variation 142529 (VCV000142529.19), dbSNP rs45572934, ClinGen allele CA294430.
Genomic context (GRCh38, chr17:61,693,463, plus strand): 5'-TTACTCTAAGCCCAGCTGAGATCTTACCAGATATATAGCGACTTGGGTTATTCCTAAAGC[G>T]ATCATCCACTAGAATAAGAGCTCCCCAATCATTTCTGTGTCTAATACATCTAGAAAAAAT-3'
Protein context (NP_114432.2, residues 838-858): DWGALILVDD[Arg848Ser]FRNNPSRYIS

ClinVar aggregate classification (germline): Likely pathogenic. Review status: criteria provided, multiple submitters, no conflicts (2 of 4 stars). 3 submissions from 3 submitters: Likely pathogenic (3). Last evaluated 2026-04-27.

Conditions:
Hereditary cancer-predisposing syndrome. Also called: Neoplastic Syndromes, Hereditary; Tumor predisposition; Hereditary neoplastic syndrome; Hereditary Cancer Syndrome. Identifiers: Orphanet 140162, MedGen C0027672, MeSH D009386, MONDO:0015356.
Familial cancer of breast. Also called: BREAST CANCER, FAMILIAL; hereditary breast carcinoma; Hereditary breast cancer. Identifiers: Orphanet 227535, MedGen C0346153, MONDO:0016419, OMIM 114480. Disease mechanism: loss of function.
Fanconi anemia complementation group J. Also called: BRIP1-Related Fanconi Anemia. Identifiers: Orphanet 84, MedGen C1836860, MONDO:0012187, OMIM 609054.

Allele frequency attached by ClinVar (database versions not stated): TOPMed 0.00001.
gnomAD v4.1: 1 of 1,613,614 alleles (0.000062%); highest among the groups gnomAD compares: Non-Finnish European, 0.000085%; no homozygotes.

Submissions (3):

Ambry Genetics
Classification: Likely pathogenic for Hereditary cancer-predisposing syndrome. Last evaluated: 2026-04-27. Review status: criteria provided, single submitter. Criteria: Ambry Variant Classification Scheme 2023. Collection method: clinical testing. Allele origin: germline.
Comment: The c.2542C>A variant (also known as p.R848S), located in coding exon 17 of the BRIP1 gene, results from a C to A substitution at nucleotide position 2542. The arginine at codon 848 is replaced by serine, an amino acid with dissimilar properties. This nucleotide position is highly conserved in available vertebrate species. In silico splice site analysis predicts that this alteration will weaken the native splice donor site. RNA studies have demonstrated that this alteration results in abnormal splicing in the set of samples tested (Ambry internal data). Based on the majority of available evidence to date, this variant is likely to be pathogenic.

GeneDx
Classification: Likely pathogenic. Last evaluated: 2025-08-22. Review status: criteria provided, single submitter. Criteria: GeneDx Variant Classification Process June 2021. Collection method: clinical testing. Allele origin: germline. Affected: yes.
Comment: RNA studies demonstrate aberrant splicing (External communication with Ambry Genetics); Not observed at significant frequency in large population cohorts (gnomAD); Has not been previously published as pathogenic or benign to our knowledge; In silico analysis supports a deleterious effect on splicing; In silico analysis supports that this missense variant has a deleterious effect on protein structure/function

Labcorp Genetics (formerly Invitae), Labcorp
Classification: Likely pathogenic for Familial cancer of breast; Fanconi anemia complementation group J. Last evaluated: 2025-05-12. Review status: criteria provided, single submitter. Criteria: Invitae Variant Classification Sherloc (09022015). Collection method: clinical testing. Allele origin: germline.
Comment: This sequence change replaces arginine, which is basic and polar, with serine, which is neutral and polar, at codon 848 of the BRIP1 protein (p.Arg848Ser). RNA analysis indicates that this missense change induces altered splicing and may result in an absent or altered protein product. This variant is not present in population databases (gnomAD no frequency). This variant has not been reported in the literature in individuals affected with BRIP1-related conditions. ClinVar contains an entry for this variant (Variation ID: 142529). Invitae Evidence Modeling of protein sequence and biophysical properties (such as structural, functional, and spatial information, amino acid conservation, physicochemical variation, residue mobility, and thermodynamic stability) indicates that this missense variant is expected to disrupt BRIP1 protein function with a positive predictive value of 95%. Studies have shown that this missense change results in skipping of exon 18, and produces a non-functional protein and/or introduces a premature termination codon (internal data). In summary, the currently available evidence indicates that the variant is pathogenic, but additional data are needed to prove that conclusively. Therefore, this variant has been classified as Likely Pathogenic.